The following is an entry in ClinVar:

NM_025074.7(FRAS1):c.7371+2T>C

Gene: FRAS1 (Fraser extracellular matrix complex subunit 1; plus strand). Cytogenetic location: 4q21.21.
Variant type: single nucleotide variant.
Coding change: c.7371+2T>C on transcript NM_025074.7 (MANE Select); the canonical splice donor site of the intron after coding-DNA position 7371, T replaced by C.
Molecular consequence: splice donor variant.
Genome position (GRCh38, 1-based): chr4:78,470,093, T>C. VCF-style: chr4-78470093-T-C. GRCh37 (hg19) VCF-style: chr4-79391247-T-C.
Identifiers: ClinVar variation 1492461 (VCV001492461.6), dbSNP rs2109850407, ClinGen allele CA357405554.

ClinVar aggregate classification (germline): Likely pathogenic (1 of 4 stars; one submission).

Allele frequency attached by ClinVar (database versions not stated): gnomAD exomes below 0.00001.
gnomAD v4.1: 1 of 1,597,996 alleles (0.000063%); highest among the groups gnomAD compares: Non-Finnish European, 0.000086%; no homozygotes.

Submission:

Labcorp Genetics (formerly Invitae), Labcorp
Classification: Likely pathogenic. Last evaluated: 2024-10-24. Review status: criteria provided, single submitter. Criteria: Invitae Variant Classification Sherloc (09022015). Collection method: clinical testing. Allele origin: germline.
Comment: This sequence change affects a donor splice site in intron 51 of the FRAS1 gene. It is expected to disrupt RNA splicing. Variants that disrupt the donor or acceptor splice site typically lead to a loss of protein function (PMID: 16199547), and loss-of-function variants in FRAS1 are known to be pathogenic (PMID: 12766769, 18671281). This variant is not present in population databases (gnomAD no frequency). This variant has not been reported in the literature in individuals affected with FRAS1-related conditions. ClinVar contains an entry for this variant (Variation ID: 1492461). Algorithms developed to predict the effect of sequence changes on RNA splicing suggest that this variant may disrupt the consensus splice site. In summary, the currently available evidence indicates that the variant is pathogenic, but additional data are needed to prove that conclusively. Therefore, this variant has been classified as Likely Pathogenic.

Literature cited by the submitters: PubMed 16199547; PubMed 12766769; PubMed 18671281.